The following is an entry in ClinVar:

ClinVar aggregate classification (germline): Likely pathogenic (1 of 4 stars; one submission).

Allele frequency attached by ClinVar (database versions not stated): gnomAD 0.00001; TOPMed 0.00001.
gnomAD v4.1: 2 of 1,608,222 alleles (0.00012%); highest among the groups gnomAD compares: African/African-American, 0.0027%; no homozygotes.

Submission:

Labcorp Genetics (formerly Invitae), Labcorp
Classification: Likely pathogenic. Last evaluated: 2025-12-08. Review status: criteria provided, single submitter. Criteria: Invitae Variant Classification Sherloc (09022015). Collection method: clinical testing. Allele origin: germline.
Comment: This sequence change affects an acceptor splice site in intron 5 of the CDHR1 gene. It is expected to disrupt RNA splicing. Variants that disrupt the donor or acceptor splice site typically lead to a loss of protein function (PMID: 16199547), and loss-of-function variants in CDHR1 are known to be pathogenic (PMID: 23044944, 23591405, 26103963, 26261414). This variant is present in population databases (no rsID available, gnomAD 0.01%). This variant has not been reported in the literature in individuals affected with CDHR1-related conditions. ClinVar contains an entry for this variant (Variation ID: 2122559). Algorithms developed to predict the effect of sequence changes on RNA splicing suggest that this variant may disrupt the consensus splice site. In summary, the currently available evidence indicates that the variant is pathogenic, but additional data are needed to prove that conclusively. Therefore, this variant has been classified as Likely Pathogenic.

Literature cited by the submitters: PubMed 16199547; PubMed 23044944; PubMed 23591405; PubMed 26103963; PubMed 26261414.

NM_033100.4(CDHR1):c.439-1G>A

Gene: CDHR1 (cadherin related family member 1; plus strand). Cytogenetic location: 10q23.1.
Variant type: single nucleotide variant.
Coding change: c.439-1G>A on transcript NM_033100.4 (MANE Select); the canonical splice acceptor site of the intron before coding-DNA position 439, G replaced by A.
Molecular consequence: splice acceptor variant.
Genome position (GRCh38, 1-based): chr10:84,200,600, G>A. VCF-style: chr10-84200600-G-A. GRCh37 (hg19) VCF-style: chr10-85960356-G-A.
Other names: c.439-1G>A (NM_001171971.3).
Identifiers: ClinVar variation 2122559 (VCV002122559.4), dbSNP rs916319156, ClinGen allele CA210379546.